The following is an entry in ClinVar:

ClinVar aggregate classification (germline): Uncertain significance (1 of 4 stars; one submission).

Conditions:
Severe early-onset pulmonary alveolar proteinosis due to MARS deficiency. Also called: Interstitial lung and liver disease; PULMONARY ALVEOLAR PROTEINOSIS, REUNION ISLAND. Identifiers: Orphanet 440427, MedGen C4225400, MONDO:0014206, OMIM 615486.
Charcot-Marie-Tooth disease axonal type 2U. Also called: CHARCOT-MARIE-TOOTH NEUROPATHY, TYPE 2U; CHARCOT-MARIE-TOOTH DISEASE, AXONAL, AUTOSOMAL DOMINANT, TYPE 2U. Identifiers: Orphanet 397735, MedGen C4084821, MONDO:0014566, OMIM 616280.

Allele frequency attached by ClinVar (database versions not stated): gnomAD exomes below 0.00001 and 0.00002; ExAC 0.00003; gnomAD 0.00005 and 0.00006; TOPMed 0.00007; ESP Exome Variant Server 0.00023.
gnomAD v4.1: 13 of 1,614,042 alleles (0.00081%); highest among the groups gnomAD compares: African/African-American, 0.013%; no homozygotes.

Submission:

Labcorp Genetics (formerly Invitae), Labcorp
Classification: Uncertain significance for Charcot-Marie-Tooth disease axonal type 2U; Severe early-onset pulmonary alveolar proteinosis due to MARS deficiency. Last evaluated: 2024-04-10. Review status: criteria provided, single submitter. Criteria: Invitae Variant Classification Sherloc (09022015). Collection method: clinical testing. Allele origin: germline.
Comment: This sequence change replaces serine, which is neutral and polar, with leucine, which is neutral and non-polar, at codon 567 of the MARS protein (p.Ser567Leu). This variant is present in population databases (rs143592405, gnomAD 0.02%). This missense change has been observed in individual(s) with clinical features of MARS-related conditions (PMID: 25913036, 29875423, 34496286). An algorithm developed to predict the effect of missense changes on protein structure and function (PolyPhen-2) suggests that this variant is likely to be tolerated. Experimental studies have shown that this missense change affects MARS function (PMID: 25913036, 29775242). In summary, the available evidence is currently insufficient to determine the role of this variant in disease. Therefore, it has been classified as a Variant of Uncertain Significance.

Literature cited by the submitters: PubMed 25913036; PubMed 29875423; PubMed 34496286; PubMed 29775242.

NM_004990.4(MARS1):c.1700C>T (p.Ser567Leu)

Gene: MARS1 (methionyl-tRNA synthetase 1; plus strand). Cytogenetic location: 12q13.3.
Variant type: single nucleotide variant.
Coding change: c.1700C>T on transcript NM_004990.4 (MANE Select); coding-DNA position 1700, C replaced by T.
Protein change: p.Ser567Leu; replaces serine 567 with leucine.
Molecular consequence: missense variant.
Genome position (GRCh38, 1-based): chr12:57,512,300, C>T. VCF-style: chr12-57512300-C-T. GRCh37 (hg19) VCF-style: chr12-57906083-C-T.
Other names: short protein forms S567L.
Identifiers: ClinVar variation 242614 (VCV000242614.3), dbSNP rs143592405.